The following is an entry in ClinVar:

NM_000229.2(LCAT):c.1193G>A (p.Gly398Glu)

Gene: LCAT (lecithin-cholesterol acyltransferase; minus strand). Cytogenetic location: 16q22.1.
Variant type: single nucleotide variant.
Coding change: c.1193G>A on transcript NM_000229.2 (MANE Select); coding-DNA position 1193, G replaced by A.
Protein change: p.Gly398Glu; replaces glycine 398 with glutamic acid.
Molecular consequence: missense variant.
Genome position (GRCh38, 1-based): chr16:67,940,034, C>T on the plus strand (G>A on the coding strand, the complement: LCAT is on the minus strand). VCF-style: chr16-67940034-C-T. GRCh37 (hg19) VCF-style: chr16-67973937-C-T.
Other names: short protein forms G398E.
Identifiers: ClinVar variation 3290243 (VCV003290243.1).

ClinVar aggregate classification (germline): Uncertain significance (1 of 4 stars; one submission).

Conditions:
Cardiovascular phenotype. Identifiers: MedGen CN230736.

gnomAD v4.1: 4 of 1,613,528 alleles (0.00025%); highest among the groups gnomAD compares: Non-Finnish European, 0.00034%; no homozygotes.

Submission:

Ambry Genetics
Classification: Uncertain significance for Cardiovascular phenotype. Last evaluated: 2024-05-12. Review status: criteria provided, single submitter. Criteria: Ambry Variant Classification Scheme 2023. Collection method: clinical testing. Allele origin: germline.
Comment: The p.G398E variant (also known as c.1193G>A), located in coding exon 6 of the LCAT gene, results from a G to A substitution at nucleotide position 1193. The glycine at codon 398 is replaced by glutamic acid, an amino acid with similar properties. This amino acid position is conserved. In addition, the in silico prediction for this alteration is inconclusive. Based on the available evidence, the clinical significance of this variant remains unclear.